The following is an entry in ClinVar:

ClinVar aggregate classification (germline): Uncertain significance (0 of 4 stars; one submission).

Conditions:
COL9A2-related disorder. Also called: COL9A2-related condition.

Submission:

PreventionGenetics, part of Exact Sciences
Classification: Uncertain significance for COL9A2-related condition. Last evaluated: 2024-05-04. Review status: no assertion criteria provided. Collection method: clinical testing. Allele origin: germline.
Comment: The COL9A2 c.611C>T variant is predicted to result in the amino acid substitution p.Pro204Leu. To our knowledge, this variant has not been reported in the literature or in a large population database, indicating this variant is rare. At this time, the clinical significance of this variant is uncertain due to the absence of conclusive functional and genetic evidence.

NM_001852.4(COL9A2):c.611C>T (p.Pro204Leu)

Gene: COL9A2 (collagen type IX alpha 2 chain; minus strand). Cytogenetic location: 1p34.2.
Variant type: single nucleotide variant.
Coding change: c.611C>T on transcript NM_001852.4 (MANE Select); coding-DNA position 611, C replaced by T.
Protein change: p.Pro204Leu; replaces proline 204 with leucine.
Molecular consequence: missense variant.
Genome position (GRCh38, 1-based): chr1:40,311,112, G>A on the plus strand (C>T on the coding strand, the complement: COL9A2 is on the minus strand). VCF-style: chr1-40311112-G-A. GRCh37 (hg19) VCF-style: chr1-40776784-G-A.
Other names: short protein forms P204L.
Identifiers: ClinVar variation 3344419 (VCV003344419.1).